The following is an entry in ClinVar:

NM_000127.3(EXT1):c.1165-2A>C

Gene: EXT1 (exostosin glycosyltransferase 1; minus strand). Cytogenetic location: 8q24.11.
Variant type: single nucleotide variant.
Coding change: c.1165-2A>C on transcript NM_000127.3 (MANE Select); the canonical splice acceptor site of the intron before coding-DNA position 1165, A replaced by C.
Molecular consequence: splice acceptor variant.
Genome position (GRCh38, 1-based): chr8:117,830,351, T>G on the plus strand (A>C on the coding strand, the complement: EXT1 is on the minus strand). VCF-style: chr8-117830351-T-G. GRCh37 (hg19) VCF-style: chr8-118842590-T-G.
Identifiers: ClinVar variation 2019923 (VCV002019923.4), dbSNP rs2488126304, ClinGen allele CA371890744.

ClinVar aggregate classification (germline): Pathogenic (1 of 4 stars; one submission).

Conditions:
Multiple congenital exostosis (EXT). Also called: Multiple exostoses; Multiple osteochondromas; MULTIPLE CARTILAGINOUS EXOSTOSES; Hereditary multiple exostoses; Hereditary multiple exostosis; Hereditary multiple osteochondromas. Identifiers: Orphanet 321, MedGen C0015306, MONDO:0005508, HP:0002762.

Submission:

Labcorp Genetics (formerly Invitae), Labcorp
Classification: Pathogenic for Multiple congenital exostosis. Last evaluated: 2022-09-27. Review status: criteria provided, single submitter. Criteria: Invitae Variant Classification Sherloc (09022015). Collection method: clinical testing. Allele origin: germline.
Comment: For these reasons, this variant has been classified as Pathogenic. Algorithms developed to predict the effect of sequence changes on RNA splicing suggest that this variant may disrupt the consensus splice site. This sequence change affects an acceptor splice site in intron 3 of the EXT1 gene. It is expected to disrupt RNA splicing. Variants that disrupt the donor or acceptor splice site typically lead to a loss of protein function (PMID: 16199547), and loss-of-function variants in EXT1 are known to be pathogenic (PMID: 10679937, 11391482, 19810120). This variant is not present in population databases (gnomAD no frequency). Disruption of this splice site has been observed in individual(s) with hereditary multiple osteochondromas (Invitae).

Literature cited by the submitters: PubMed 16199547; PubMed 10679937; PubMed 11391482; PubMed 19810120.